The following is an entry in ClinVar:

NM_018417.6(ADCY10):c.4504C>G (p.Gln1502Glu)

Gene: ADCY10 (adenylate cyclase 10; minus strand). Cytogenetic location: 1q24.2.
Variant type: single nucleotide variant.
Coding change: c.4504C>G on transcript NM_018417.6 (MANE Select); coding-DNA position 4504, C replaced by G.
Protein change: p.Gln1502Glu; replaces glutamine 1502 with glutamic acid.
Molecular consequence: missense variant.
Genome position (GRCh38, 1-based): chr1:167,810,892, G>C on the plus strand (C>G on the coding strand, the complement: ADCY10 is on the minus strand). VCF-style: chr1-167810892-G-C. GRCh37 (hg19) VCF-style: chr1-167780129-G-C.
Other names: c.4504C>G (NM_018417.4); c.4045C>G, p.Gln1349Glu (NM_001167749.3); c.4228C>G, p.Gln1410Glu (NM_001297772.2); short protein forms Q1349E, Q1410E, Q1502E.
Identifiers: ClinVar variation 1018816 (VCV001018816.8), dbSNP rs200833497, ClinGen allele CA1226996.

ClinVar aggregate classification (germline): Uncertain significance. Review status: criteria provided, multiple submitters, no conflicts (2 of 4 stars). 3 submissions from 3 submitters: Uncertain significance (3). Last evaluated 2024-11-05.

Conditions:
Familial idiopathic hypercalciuria (HCA2). Also called: Hypercalciuria, absorptive, 2; Hypercalciuria, absorptive, susceptibility to. Identifiers: MedGen C0342639, MONDO:0007748, OMIM 143870.

Allele frequency attached by ClinVar (database versions not stated): ExAC 0.00002; gnomAD 0.00003 and 0.00004; gnomAD exomes 0.00005 and 0.00009; TOPMed 0.00005.

Submissions (3):

Labcorp Genetics (formerly Invitae), Labcorp
Classification: Uncertain significance. Last evaluated: 2024-11-05. Review status: criteria provided, single submitter. Criteria: Invitae Variant Classification Sherloc (09022015). Collection method: clinical testing. Allele origin: germline.
Comment: This sequence change replaces glutamine, which is neutral and polar, with glutamic acid, which is acidic and polar, at codon 1502 of the ADCY10 protein (p.Gln1502Glu). This variant is present in population databases (rs200833497, gnomAD 0.01%). This variant has not been reported in the literature in individuals affected with ADCY10-related conditions. ClinVar contains an entry for this variant (Variation ID: 1018816). An algorithm developed to predict the effect of missense changes on protein structure and function (PolyPhen-2) suggests that this variant is likely to be disruptive. In summary, the available evidence is currently insufficient to determine the role of this variant in disease. Therefore, it has been classified as a Variant of Uncertain Significance.

Ambry Genetics
Classification: Uncertain significance. Last evaluated: 2023-05-30. Review status: criteria provided, single submitter. Criteria: Ambry Variant Classification Scheme 2023. Collection method: clinical testing. Allele origin: germline.

Fulgent Genetics
Classification: Uncertain significance for Familial idiopathic hypercalciuria. Last evaluated: 2021-08-02. Review status: criteria provided, single submitter. Criteria: ACMG Guidelines, 2015. Collection method: clinical testing. Allele origin: unknown.